The following is an entry in ClinVar:

NM_005560.6(LAMA5):c.951G>A (p.Pro317=)

Gene: LAMA5 (laminin subunit alpha 5; minus strand). Cytogenetic location: 20q13.33.
Variant type: single nucleotide variant.
Coding change: c.951G>A on transcript NM_005560.6 (MANE Select); coding-DNA position 951, G replaced by A.
Protein change: p.Pro317=; no amino-acid change (proline 317 retained).
Molecular consequence: synonymous variant.
Genome position (GRCh38, 1-based): chr20:62,351,709, C>T on the plus strand (G>A on the coding strand, the complement: LAMA5 is on the minus strand). VCF-style: chr20-62351709-C-T. GRCh37 (hg19) VCF-style: chr20-60926765-C-T.
Other names: c.951G>A (NM_005560.4).
Identifiers: ClinVar variation 4738174 (VCV004738174.2).
Genomic context (GRCh38, chr20:62,351,709, plus strand): 5'-CAGGGAGCTGGGGGGGGCCTCACCTGAACGGGGCCTCACCTGAATGGGGCCTCACCTGAA[C>T]GGGTCCGTGGGGTCTTTGGCATCGCAGGCATCCGCGTGGCCGTGGCAGACACAGCGGCCT-3'
Protein context (NP_005551.3, residues 307-327): DACDAKDPTD[Pro317=]FRLQCTCQHN

ClinVar aggregate classification (germline): Benign/Likely benign. Review status: criteria provided, multiple submitters, no conflicts (2 of 4 stars). 2 submissions from 2 submitters: Benign (1); Likely benign (1). Last evaluated 2025-06-13.

Conditions:
LAMA5-related disorder. Also called: LAMA5-Related Disorders; LAMA5-related condition.

gnomAD v4.1: 278 of 1,611,162 alleles (0.017%); highest among the groups gnomAD compares: South Asian, 0.27%; 2 homozygotes.

Submissions (2):

PreventionGenetics, part of Exact Sciences
Classification: Likely benign for LAMA5-related condition. Last evaluated: 2025-06-13. Review status: criteria provided, single submitter. Criteria: ACMG Guidelines, 2015. Collection method: clinical testing. Allele origin: germline.
Comment: This variant is classified as likely benign based on ACMG/AMP sequence variant interpretation guidelines (Richards et al. 2015 PMID: 25741868, with internal and published modifications).

Labcorp Genetics (formerly Invitae), Labcorp
Classification: Benign. Last evaluated: 2025-03-17. Review status: criteria provided, single submitter. Criteria: Invitae Variant Classification Sherloc (09022015). Collection method: clinical testing. Allele origin: germline.